The following is an entry in ClinVar:

NM_004517.4(ILK):c.567C>T (p.Asp189=)

Genes: ILK (integrin linked kinase; plus strand), TAF10 (TATA-box binding protein associated factor 10; minus strand). Cytogenetic location: 11p15.4.
Variant type: single nucleotide variant.
Coding change: c.567C>T on transcript NM_004517.4 (MANE Select); coding-DNA position 567, C replaced by T.
Protein change: p.Asp189=; no amino-acid change (aspartic acid 189 retained).
Molecular consequence: synonymous variant. On other transcripts: 3 prime UTR variant (1), intron variant (1).
Genome position (GRCh38, 1-based): chr11:6,609,105, C>T. VCF-style: chr11-6609105-C-T. GRCh37 (hg19) VCF-style: chr11-6630336-C-T.
Other names: c.567C>T, p.Asp189= (NM_001014794.3, NM_001014795.3); c.165C>T, p.Asp55= (NM_001278442.2); c.*1817G>A (NM_006284.4); c.435+138C>T (NM_001278441.2).
Identifiers: ClinVar variation 2917251 (VCV002917251.3), dbSNP rs2493769852, ClinGen allele CA472921188.

ClinVar aggregate classification (germline): Uncertain significance (1 of 4 stars; one submission).

Conditions:
Primary familial hypertrophic cardiomyopathy (HCM). Identifiers: Orphanet 99739, MedGen C0949658, MeSH D024741, MONDO:0024573. Inheritance: Various modes of inheritance.

Submission:

Labcorp Genetics (formerly Invitae), Labcorp
Classification: Uncertain significance for Primary familial hypertrophic cardiomyopathy. Last evaluated: 2023-10-22. Review status: criteria provided, single submitter. Criteria: Invitae Variant Classification Sherloc (09022015). Collection method: clinical testing. Allele origin: germline.
Comment: This sequence change affects codon 189 of the ILK mRNA. It is a 'silent' change, meaning that it does not change the encoded amino acid sequence of the ILK protein. This variant is not present in population databases (gnomAD no frequency). This variant has not been reported in the literature in individuals affected with ILK-related conditions. Algorithms developed to predict the effect of sequence changes on RNA splicing suggest that this variant may disrupt the consensus splice site. In summary, the available evidence is currently insufficient to determine the role of this variant in disease. Therefore, it has been classified as a Variant of Uncertain Significance.